The following is an entry in ClinVar:

NM_004304.5(ALK):c.1782G>C (p.Gln594His)

Gene: ALK (ALK receptor tyrosine kinase; minus strand). Cytogenetic location: 2p23.2.
Variant type: single nucleotide variant.
Coding change: c.1782G>C on transcript NM_004304.5 (MANE Select); coding-DNA position 1782, G replaced by C.
Protein change: p.Gln594His; replaces glutamine 594 with histidine.
Molecular consequence: missense variant.
Genome position (GRCh38, 1-based): chr2:29,296,923, C>G on the plus strand (G>C on the coding strand, the complement: ALK is on the minus strand). VCF-style: chr2-29296923-C-G. GRCh37 (hg19) VCF-style: chr2-29519789-C-G.
Other names: short protein forms Q594H.
Identifiers: ClinVar variation 660597 (VCV000660597.9), dbSNP rs1573203576, ClinGen allele CA346465966.

ClinVar aggregate classification (germline): Uncertain significance. Review status: criteria provided, multiple submitters, no conflicts (2 of 4 stars). 2 submissions from 2 submitters: Uncertain significance (2). Last evaluated 2024-06-22.

Conditions:
Neuroblastoma, susceptibility to, 3. Also called: ALK-Related Neuroblastic Tumor Susceptibility. Identifiers: Orphanet 635, MedGen C2751681, MONDO:0013083, OMIM 613014.

Allele frequency attached by ClinVar (database versions not stated): gnomAD exomes below 0.00001.
gnomAD v4.1: 1 of 1,614,224 alleles (0.000062%); highest among the groups gnomAD compares: Non-Finnish European, 0.000085%; no homozygotes.

Submissions (2):

Fulgent Genetics
Classification: Uncertain significance for Neuroblastoma, susceptibility to, 3. Last evaluated: 2024-06-22. Review status: criteria provided, single submitter. Criteria: ACMG Guidelines, 2015. Collection method: clinical testing. Allele origin: germline.

Labcorp Genetics (formerly Invitae), Labcorp
Classification: Uncertain significance for Neuroblastoma, susceptibility to, 3. Last evaluated: 2018-11-18. Review status: criteria provided, single submitter. Criteria: Invitae Variant Classification Sherloc (09022015). Collection method: clinical testing. Allele origin: germline.
Comment: In summary, the available evidence is currently insufficient to determine the role of this variant in disease. Therefore, it has been classified as a Variant of Uncertain Significance. Algorithms developed to predict the effect of missense changes on protein structure and function output the following: SIFT: "Deleterious"; PolyPhen-2: "Probably Damaging"; Align-GVGD: "Class C15". The histidine amino acid residue is found in multiple mammalian species, suggesting that this missense change does not adversely affect protein function. These predictions have not been confirmed by published functional studies and their clinical significance is uncertain. This variant has not been reported in the literature in individuals with ALK-related disease. This variant is not present in population databases (ExAC no frequency). This sequence change replaces glutamine with histidine at codon 594 of the ALK protein (p.Gln594His). The glutamine residue is highly conserved and there is a small physicochemical difference between glutamine and histidine.